The following is an entry in ClinVar:

ClinVar aggregate classification (germline): Conflicting classifications of pathogenicity. Review status: criteria provided, conflicting classifications (1 of 4 stars). 3 submissions from 3 submitters: Uncertain significance (1); Likely benign (1). 1 of the submissions does not count toward it. Last evaluated 2025-07-04.

Conditions:
AFF4-related disorder. Also called: AFF4-related condition.
Inborn genetic diseases. Identifiers: MedGen C0950123, MeSH D030342.
Cognitive impairment - coarse facies - heart defects - obesity - pulmonary involvement - short stature - skeletal dysplasia syndrome. Also called: COGNITIVE IMPAIRMENT, COARSE FACIES, HEART DEFECTS, OBESITY, PULMONARY INVOLVEMENT, SHORT STATURE, AND SKELETAL DYSPLASIA; Chops syndrome; AFF4-Related CHOPS Syndrome. Identifiers: Orphanet 444077, MedGen C4085597, MONDO:0014609, OMIM 616368.

Allele frequency attached by ClinVar (database versions not stated): ESP Exome Variant Server 0.00023; TOPMed 0.00003; gnomAD 0.00006 and 0.00007; ExAC 0.00007; gnomAD exomes 0.00007.
gnomAD v4.1: 87 of 1,614,160 alleles (0.0054%); highest among the groups gnomAD compares: Admixed American, 0.013%; no homozygotes.

Submissions (3):

Labcorp Genetics (formerly Invitae), Labcorp
Classification: Uncertain significance for Cognitive impairment - coarse facies - heart defects - obesity - pulmonary involvement - short stature - skeletal dysplasia syndrome. Last evaluated: 2025-07-04. Review status: criteria provided, single submitter. Criteria: Invitae Variant Classification Sherloc (09022015). Collection method: clinical testing. Allele origin: germline.
Comment: This sequence change replaces asparagine, which is neutral and polar, with serine, which is neutral and polar, at codon 612 of the AFF4 protein (p.Asn612Ser). This variant is present in population databases (rs145031583, gnomAD 0.02%). This variant has not been reported in the literature in individuals affected with AFF4-related conditions. ClinVar contains an entry for this variant (Variation ID: 1394183). Invitae Evidence Modeling of protein sequence and biophysical properties (such as structural, functional, and spatial information, amino acid conservation, physicochemical variation, residue mobility, and thermodynamic stability) indicates that this missense variant is not expected to disrupt AFF4 protein function with a negative predictive value of 80%. In summary, the available evidence is currently insufficient to determine the role of this variant in disease. Therefore, it has been classified as a Variant of Uncertain Significance.

Ambry Genetics
Classification: Likely benign for Inborn genetic diseases. Last evaluated: 2021-10-29. Review status: criteria provided, single submitter. Criteria: Ambry Variant Classification Scheme 2023. Collection method: clinical testing. Allele origin: germline.

PreventionGenetics, part of Exact Sciences
Classification: Uncertain significance for AFF4-related condition. Last evaluated: 2024-03-27. Review status: no assertion criteria provided. Collection method: clinical testing. Allele origin: germline. Not counted in ClinVar's aggregate classification.
Comment: The AFF4 c.1835A>G variant is predicted to result in the amino acid substitution p.Asn612Ser. To our knowledge, this variant has not been reported in the literature. This variant is reported in 0.020% of alleles in individuals of Ashkenazi Jewish descent in gnomAD, which is more common than expected for an undocumented cause of disease. Although we suspect this variant may be benign, at this time, its clinical significance is uncertain due to the absence of conclusive functional and genetic evidence.

NM_014423.4(AFF4):c.1835A>G (p.Asn612Ser)

Gene: AFF4 (ALF transcription elongation factor 4; minus strand). Cytogenetic location: 5q31.1.
Variant type: single nucleotide variant.
Coding change: c.1835A>G on transcript NM_014423.4 (MANE Select); coding-DNA position 1835, A replaced by G.
Protein change: p.Asn612Ser; replaces asparagine 612 with serine.
Molecular consequence: missense variant.
Genome position (GRCh38, 1-based): chr5:132,896,795, T>C on the plus strand (A>G on the coding strand, the complement: AFF4 is on the minus strand). VCF-style: chr5-132896795-T-C. GRCh37 (hg19) VCF-style: chr5-132232487-T-C.
Other names: c.1835A>G (NM_014423.3); short protein forms N612S.
Identifiers: ClinVar variation 1394183 (VCV001394183.9), dbSNP rs145031583, ClinGen allele CA3409034.
Genomic context (GRCh38, chr5:132,896,795, plus strand): 5'-GACTTATATTTCTTTTTCTCTGCTGTAGGTCGAGGGGAAGACTTAGACTCCTTCTTTATA[T>C]TGGGTTTCCTTGAGCCTTTGGTGGCTGCTTTGTGTCTGCTGGAGGGCATGCTGCTAGCCA-3'
Protein context (NP_055238.1, residues 602-622): KAATKGSRKP[Asn612Ser]IKKESKSSPR